The following is an entry in ClinVar:

ClinVar aggregate classification (germline): Uncertain significance (1 of 4 stars; one submission).

Conditions:
GLI2-related disorder. Also called: GLI2-related condition; GLI2-related disorders.

Submission:

PreventionGenetics, part of Exact Sciences
Classification: Uncertain significance for GLI2-related condition. Last evaluated: 2023-04-11. Review status: criteria provided, single submitter. Criteria: ACMG Guidelines, 2015. Collection method: clinical testing. Allele origin: germline.
Comment: The GLI2 c.1735A>C variant is predicted to result in the amino acid substitution p.Ser579Arg. To our knowledge, this variant has not been reported in the literature or in a large population database, indicating this variant is rare. At this time, the clinical significance of this variant is uncertain due to the absence of conclusive functional and genetic evidence.

NM_001374353.1(GLI2):c.1684A>C (p.Ser562Arg)

Gene: GLI2 (GLI family zinc finger 2; plus strand). Cytogenetic location: 2q14.2.
Variant type: single nucleotide variant.
Coding change: c.1684A>C on transcript NM_001374353.1 (MANE Select); coding-DNA position 1684, A replaced by C.
Protein change: p.Ser562Arg; replaces serine 562 with arginine.
Molecular consequence: missense variant.
Genome position (GRCh38, 1-based): chr2:120,984,522, A>C. VCF-style: chr2-120984522-A-C. GRCh37 (hg19) VCF-style: chr2-121742098-A-C.
Other names: c.1735A>C, p.Ser579Arg (NM_001371271.1, NM_005270.5); c.1309A>C, p.Ser437Arg (NM_001374354.1); short protein forms S437R, S562R, S579R.
Identifiers: ClinVar variation 2632771 (VCV002632771.1), dbSNP rs2467749299, ClinGen allele CA348162716.